The following is an entry in ClinVar:

NM_000043.6(FAS):c.818A>G (p.Gln273Arg)

Gene: FAS (Fas cell surface death receptor; plus strand). Cytogenetic location: 10q23.31.
Variant type: single nucleotide variant.
Coding change: c.818A>G on transcript NM_000043.6 (MANE Select); coding-DNA position 818, A replaced by G.
Protein change: p.Gln273Arg; replaces glutamine 273 with arginine.
Molecular consequence: missense variant. On other transcripts: 3 prime UTR variant (2), non-coding transcript variant (7).
Genome position (GRCh38, 1-based): chr10:89,014,260, A>G. VCF-style: chr10-89014260-A-G. GRCh37 (hg19) VCF-style: chr10-90774017-A-G.
Other names: c.*141A>G (NM_001320619.2); c.755A>G, p.Gln252Arg (NM_152871.4); c.*130A>G (NM_152872.4); short protein forms Q252R, Q273R.
Identifiers: ClinVar variation 1041353 (VCV001041353.7), dbSNP rs1848677745, ClinGen allele CA377509881.

ClinVar aggregate classification (germline): Uncertain significance (1 of 4 stars; one submission).

Conditions:
Autoimmune lymphoproliferative syndrome type 1. Also called: AUTOIMMUNE LYMPHOPROLIFERATIVE SYNDROME, TYPE I, AUTOSOMAL DOMINANT. Identifiers: Orphanet 3261, MedGen C2717884, MONDO:0011158, OMIM 601859.

Submission:

Labcorp Genetics (formerly Invitae), Labcorp
Classification: Uncertain significance for Autoimmune lymphoproliferative syndrome. Last evaluated: 2020-01-15. Review status: criteria provided, single submitter. Criteria: Invitae Variant Classification Sherloc (09022015). Collection method: clinical testing. Allele origin: germline.
Comment: This variant disrupts the p.Gln273 amino acid residue in FAS. Other variant(s) that disrupt this residue have been observed in individuals with FAS-related conditions (PMID: 25502423, 16537120), which suggests that this may be a clinically significant amino acid residue In summary, the available evidence is currently insufficient to determine the role of this variant in disease. Therefore, it has been classified as a Variant of Uncertain Significance. This sequence change replaces glutamine with arginine at codon 273 of the FAS protein (p.Gln273Arg). The glutamine residue is highly conserved and there is a small physicochemical difference between glutamine and arginine. This variant is not present in population databases (ExAC no frequency). This variant has not been reported in the literature in individuals with FAS-related conditions. Algorithms developed to predict the effect of missense changes on protein structure and function are either unavailable or do not agree on the potential impact of this missense change (SIFT: "Not Available"; PolyPhen-2: "Probably Damaging"; Align-GVGD: "Not Available").

Literature cited by the submitters: PubMed 25502423; PubMed 16537120.